The following is an entry in ClinVar:

NM_017931.4(TTC38):c.799G>A (p.Glu267Lys)

Gene: TTC38 (tetratricopeptide repeat domain 38; plus strand). Cytogenetic location: 22q13.31.
Variant type: single nucleotide variant.
Coding change: c.799G>A on transcript NM_017931.4 (MANE Select); coding-DNA position 799, G replaced by A.
Protein change: p.Glu267Lys; replaces glutamic acid 267 with lysine.
Molecular consequence: missense variant.
Genome position (GRCh38, 1-based): chr22:46,285,244, G>A. VCF-style: chr22-46285244-G-A. GRCh37 (hg19) VCF-style: chr22-46681141-G-A.
Other names: short protein forms E267K.
Identifiers: ClinVar variation 2653302 (VCV002653302.24), dbSNP rs35883013, ClinGen allele CA10290907.

ClinVar aggregate classification (germline): Likely benign (1 of 4 stars; one submission).

Allele frequency attached by ClinVar (database versions not stated): 1000 Genomes Project 0.00300; 1000 Genomes Project 30x 0.00375; ExAC 0.00635; gnomAD 0.00705; TOPMed 0.00706; ESP Exome Variant Server 0.00789.

Submission:

CeGaT Center for Human Genetics Tuebingen
Classification: Likely benign. Last evaluated: 2023-01-01. Review status: criteria provided, single submitter. Criteria: CeGaT Center For Human Genetics Tuebingen Variant Classification Criteria Version 2. Collection method: clinical testing. Allele origin: germline. Affected: yes. Observed: 1 variant allele.
Comment: TTC38: BS2